The following is an entry in ClinVar:

NM_199242.3(UNC13D):c.2030T>C (p.Ile677Thr)

Gene: UNC13D (unc-13 homolog D; minus strand). Cytogenetic location: 17q25.1.
Variant type: single nucleotide variant.
Coding change: c.2030T>C on transcript NM_199242.3 (MANE Select); coding-DNA position 2030, T replaced by C.
Protein change: p.Ile677Thr; replaces isoleucine 677 with threonine.
Molecular consequence: missense variant.
Genome position (GRCh38, 1-based): chr17:75,834,679, A>G on the plus strand (T>C on the coding strand, the complement: UNC13D is on the minus strand). VCF-style: chr17-75834679-A-G. GRCh37 (hg19) VCF-style: chr17-73830760-A-G.
Other names: short protein forms I677T.
Identifiers: ClinVar variation 2051067 (VCV002051067.2), dbSNP rs747056010, ClinGen allele CA8772695.
Genomic context (GRCh38, chr17:75,834,679, plus strand): 5'-ATGTTGGCTGCCTGGCCTTGGTCCTTCTGGCCTGAAGAGAGCTCGCGGGCCCGGGCCTTT[A>G]TAAGGCTGCAGTACACCAGGGCCAGGCGACAGGTGTCCTAGGGTGGGGTTGGACAGAGGG-3'
Protein context (NP_954712.1, residues 667-687): CRLALVYCSL[Ile677Thr]KARARELSSG

ClinVar aggregate classification (germline): Uncertain significance. Review status: criteria provided, multiple submitters, no conflicts (2 of 4 stars). 2 submissions from 2 submitters: Uncertain significance (2). Last evaluated 2023-12-13.

Conditions:
Familial hemophagocytic lymphohistiocytosis 3 (FHL3). Also called: UNC13D-Related Familial Hemophagocytic Lymphohistiocytosis (UNC13D-fHLH). Identifiers: Orphanet 540, MedGen C1837174, MONDO:0012146, OMIM 608898.

Allele frequency attached by ClinVar (database versions not stated): gnomAD exomes 0.00001; TOPMed 0.00001; ExAC 0.00002.
gnomAD v4.1: 16 of 1,613,734 alleles (0.00099%); highest among the groups gnomAD compares: South Asian, 0.014%; no homozygotes.

Submissions (2):

Women's Health and Genetics/Laboratory Corporation of America, LabCorp
Classification: Uncertain significance. Last evaluated: 2023-12-13. Review status: criteria provided, single submitter. Criteria: LabCorp Variant Classification Summary - May 2015. Collection method: clinical testing. Allele origin: germline.
Comment: Variant summary: UNC13D c.2030T>C (p.Ile677Thr) results in a non-conservative amino acid change located in the MUN domain (IPR010439) of the encoded protein sequence. Five of five in-silico tools predict a damaging effect of the variant on protein function. The variant allele was found at a frequency of 1.2e-05 in 249920 control chromosomes (gnomAD). The available data on variant occurrences in the general population are insufficient to allow any conclusion about variant significance. c.2030T>C has been reported in the literature in the heterozygous state in an individual clinically suspected of Familial Hemophagocytic Lymphohistiocytosis (Zhang_2014, Noori_2023). This report does not provide unequivocal conclusions about association of the variant with Familial Hemophagocytic Lymphohistiocytosis. To our knowledge, no experimental evidence demonstrating an impact on protein function has been reported. The following publications have been ascertained in the context of this evaluation (PMID: 36706356, 24916509). One submitter has cited a clinical-significance assessment for this variant to ClinVar after 2014 and has classified the variant as uncertain significance. Based on the evidence outlined above, the variant was classified as uncertain significance.

Labcorp Genetics (formerly Invitae), Labcorp
Classification: Uncertain significance for Familial hemophagocytic lymphohistiocytosis 3. Last evaluated: 2022-06-17. Review status: criteria provided, single submitter. Criteria: Invitae Variant Classification Sherloc (09022015). Collection method: clinical testing. Allele origin: germline.
Comment: This sequence change replaces isoleucine, which is neutral and non-polar, with threonine, which is neutral and polar, at codon 677 of the UNC13D protein (p.Ile677Thr). This variant is present in population databases (rs747056010, gnomAD 0.006%). This missense change has been observed in individual(s) with clinical features of familial hemophagocytic lymphohistiocytosis (PMID: 24916509). Algorithms developed to predict the effect of missense changes on protein structure and function are either unavailable or do not agree on the potential impact of this missense change (SIFT: "Not Available"; PolyPhen-2: "Benign"; Align-GVGD: "Not Available"). In summary, the available evidence is currently insufficient to determine the role of this variant in disease. Therefore, it has been classified as a Variant of Uncertain Significance.

Literature cited by the submitters: PubMed 24916509 (cited by Women's Health and Genetics/Laboratory Corporation of America, LabCorp and Labcorp Genetics (formerly Invitae), Labcorp); PubMed 36706356 (cited by Women's Health and Genetics/Laboratory Corporation of America, LabCorp).